The following continues an entry in ClinVar:

NM_000492.4(CFTR):c.3468G>A (p.Leu1156=)

ClinVar aggregate classification (germline): Pathogenic. Pathogenic (1).

Submissions 11 to 17 of 17:

Women's Health and Genetics/Laboratory Corporation of America, LabCorp
Classification: Pathogenic for Cystic fibrosis. Last evaluated: 2020-06-18. Review status: criteria provided, single submitter. Criteria: LabCorp Variant Classification Summary - May 2015. Collection method: clinical testing. Allele origin: germline. Not counted in ClinVar's aggregate classification.
Comment: Variant summary: CFTR c.3468G>A (p.Leu1156Leu) alters a conserved nucleotide located close to a canonical splice site and therefore could affect mRNA splicing, leading to a significantly altered protein sequence. Several computational tools predict a significant impact on normal splicing: Two predict the variant weakens a 5' donor site and one predicts the variant abolishes a 5 splicing donor site. Experimental evidence supports these predictions indicating that the variant causes exon-skipping leading to premature termination and truncation of CFTR (Zielendki_1994). The variant allele was found at a frequency of 4e-06 in 250770 control chromosomes (gnomAD). c.3468G>A has been reported in the literature in compound heterozygous individuals affected with Cystic Fibrosis (e.g. Claustres_2000, Zielendki_1994) while it was also reported in homozygous individuals affected with CBAVD and pancreatitis (e.g. Claustres_2017 & CFTR-France online database). These data indicate that the variant is likely to be associated with disease. Five ClinVar submitters including an expert panel (CFTR2) (evaluation after 2014) cite the variant as pathogenic. Based on the evidence outlined above, the variant was classified as pathogenic.

Johns Hopkins Genomics, Johns Hopkins University
Classification: Pathogenic for Cystic fibrosis. Last evaluated: 2019-11-11. Review status: criteria provided, single submitter. Criteria: ACMG Guidelines, 2015. Collection method: clinical testing. Allele origin: germline. Not counted in ClinVar's aggregate classification.
Comment: Previously reported disease-causing CFTR variant. See CFTR2 for phenotype information.

Mendelics
Classification: Pathogenic for Cystic fibrosis. Last evaluated: 2018-11-05. Review status: criteria provided, single submitter. Criteria: Mendelics Assertion Criteria 2017. Collection method: clinical testing. Allele origin: unknown. Affected: yes. Not counted in ClinVar's aggregate classification.

CFTR-France
Classification: Pathogenic for cystic fibrosis; CFTR-related disorders. Last evaluated: 2018-01-29. Review status: criteria provided, single submitter. Criteria: Claustres M et al. (Hum Mutat 2017). Collection method: curation. Allele origin: germline. Affected: yes. Not counted in ClinVar's aggregate classification.
Comment: when the variant is in trans with another CF-causing variation, can either result in CF or in a CFTR-RD

Eurofins Ntd Llc (ga)
Classification: Uncertain significance. Last evaluated: 2014-12-11. Review status: criteria provided, single submitter. Criteria: EGL Classification Definitions 2015. Collection method: clinical testing. Allele origin: germline. Observed: 1 variant allele, 1 heterozygote. Not counted in ClinVar's aggregate classification.

Natera, Inc.
Classification: Pathogenic for CFTR-related disorders. Last evaluated: 2020-04-11. Review status: no assertion criteria provided. Collection method: clinical testing. Allele origin: germline. Not counted in ClinVar's aggregate classification.

Counsyl
Classification: Likely pathogenic for Cystic fibrosis. Last evaluated: 2014-06-19. Review status: no assertion criteria provided. Collection method: literature only. Allele origin: unknown. Inheritance: Autosomal recessive inheritance. Not counted in ClinVar's aggregate classification.

Literature cited by the submitters: PubMed 10923036 (cited by 5 submitters); PubMed 28603918 (cited by Labcorp Genetics (formerly Invitae), Labcorp and Women's Health and Genetics/Laboratory Corporation of America, LabCorp); PubMed 34782259 (cited by Labcorp Genetics (formerly Invitae), Labcorp); PubMed 17576681 (cited by Labcorp Genetics (formerly Invitae), Labcorp); PubMed 9536098 (cited by Labcorp Genetics (formerly Invitae), Labcorp); PubMed 24243928 (cited by Ambry Genetics); PubMed 26199320 (cited by Mayo Clinic Laboratories, Mayo Clinic); PubMed 9067754 (cited by Mayo Clinic Laboratories, Mayo Clinic and Counsyl).